The following is an entry in ClinVar:

NM_003737.4(DCHS1):c.8309G>A (p.Arg2770Gln)

Gene: DCHS1 (dachsous cadherin-related 1; minus strand). Cytogenetic location: 11p15.4.
Variant type: single nucleotide variant.
Coding change: c.8309G>A on transcript NM_003737.4 (MANE Select); coding-DNA position 8309, G replaced by A.
Protein change: p.Arg2770Gln; replaces arginine 2770 with glutamine.
Molecular consequence: missense variant.
Genome position (GRCh38, 1-based): chr11:6,623,367, C>T on the plus strand (G>A on the coding strand, the complement: DCHS1 is on the minus strand). VCF-style: chr11-6623367-C-T. GRCh37 (hg19) VCF-style: chr11-6644598-C-T.
Other names: short protein forms R2770Q.
Identifiers: ClinVar variation 1940630 (VCV001940630.7), dbSNP rs999967170, ClinGen allele CA217329729.
Genomic context (GRCh38, chr11:6,623,367, plus strand): 5'-GCATCAGCAGCACCCACCAGCAGCCGGAAGCTTTCTGTGTGCTCATAGTCAAAGGGCACT[C>T]GCGCACGCAACTCCCCTGTTGAGCTGTTCAGTGCAAATGCCTCACGGCCCTCAGGTCCTG-3'
Protein context (NP_003728.1, residues 2760-2780): LNSSTGELRA[Arg2770Gln]VPFDYEHTES

ClinVar aggregate classification (germline): Uncertain significance. Review status: criteria provided, multiple submitters, no conflicts (2 of 4 stars). 2 submissions from 2 submitters: Uncertain significance (2). Last evaluated 2025-12-18.

Allele frequency attached by ClinVar (database versions not stated): gnomAD 0.00001; gnomAD exomes 0.00002; TOPMed 0.00002.
gnomAD v4.1: 30 of 1,597,524 alleles (0.0019%); highest among the groups gnomAD compares: East Asian, 0.0091%; no homozygotes.

Submissions (2):

Labcorp Genetics (formerly Invitae), Labcorp
Classification: Uncertain significance. Last evaluated: 2025-12-18. Review status: criteria provided, single submitter. Criteria: Invitae Variant Classification Sherloc (09022015). Collection method: clinical testing. Allele origin: germline.
Comment: This sequence change replaces arginine, which is basic and polar, with glutamine, which is neutral and polar, at codon 2770 of the DCHS1 protein (p.Arg2770Gln). The frequency data for this variant in the population databases is considered unreliable, as metrics indicate poor data quality at this position in the gnomAD database. This missense change has been observed in individual(s) with autosomal dominant mitral valve prolapse (PMID: 29224215, 33225636). ClinVar contains an entry for this variant (Variation ID: 1940630). Invitae Evidence Modeling of protein sequence and biophysical properties (such as structural, functional, and spatial information, amino acid conservation, physicochemical variation, residue mobility, and thermodynamic stability) indicates that this missense variant is not expected to disrupt DCHS1 protein function with a negative predictive value of 80%. Experimental studies have shown that this missense change affects DCHS1 function (PMID: 33225636). In summary, the available evidence is currently insufficient to determine the role of this variant in disease. Therefore, it has been classified as a Variant of Uncertain Significance.

Women's Health and Genetics/Laboratory Corporation of America, LabCorp
Classification: Uncertain significance. Last evaluated: 2024-02-28. Review status: criteria provided, single submitter. Criteria: LabCorp Variant Classification Summary - May 2015. Collection method: clinical testing. Allele origin: germline.
Comment: Variant summary: DCHS1 c.8309G>A (p.Arg2770Gln) results in a conservative amino acid change located in a Cadherin-like domain (IPR002126) of the encoded protein sequence. Three of five in-silico tools predict a benign effect of the variant on protein function. The variant allele was found at a frequency of 4.5e-06 in 224192 control chromosomes (gnomAD). c.8309G>A has been reported in the literature in individuals affected with mitral valve prolapse (Clemence_2018, Sun_2021), one of which also had chronic renal failure and was reported as a de novo occurrence. These data indicate that the variant may be associated with disease. At least one publication reports experimental evidence evaluating an impact on protein function (Sun_2021), finding that the variant resulted in reduced protein expression, increased apoptosis, and decreased proliferation. The following publications have been ascertained in the context of this evaluation (PMID: 29224215, 33225636). ClinVar contains an entry for this variant (Variation ID: 1940630). Based on the evidence outlined above, the variant was classified as VUS-possibly pathogenic.

Literature cited by the submitters: PubMed 29224215 (cited by Labcorp Genetics (formerly Invitae), Labcorp and Women's Health and Genetics/Laboratory Corporation of America, LabCorp); PubMed 33225636 (cited by Labcorp Genetics (formerly Invitae), Labcorp and Women's Health and Genetics/Laboratory Corporation of America, LabCorp).